The following is an entry in ClinVar:

NM_004656.4(BAP1):c.1703G>C (p.Gly568Ala)

Gene: BAP1 (BRCA1 associated deubiquitinase 1; minus strand). Cytogenetic location: 3p21.1.
Variant type: single nucleotide variant.
Coding change: c.1703G>C on transcript NM_004656.4 (MANE Select); coding-DNA position 1703, G replaced by C.
Protein change: p.Gly568Ala; replaces glycine 568 with alanine.
Molecular consequence: missense variant.
Genome position (GRCh38, 1-based): chr3:52,403,442, C>G on the plus strand (G>C on the coding strand, the complement: BAP1 is on the minus strand). VCF-style: chr3-52403442-C-G. GRCh37 (hg19) VCF-style: chr3-52437458-C-G.
Other names: c.1703G>C (NM_004656.2); short protein forms G568A.
Identifiers: ClinVar variation 1041279 (VCV001041279.6), dbSNP rs1705036790, ClinGen allele CA353099696.
Genomic context (GRCh38, chr3:52,403,442, plus strand): 5'-CACCAAGTGGCCAGTGAGCCAGTCCAAGGCCCACCTGTCAGCGCCAGGGGACTCAGCACC[C>G]CATCCTCAGCCAGGTGCAGCAGGCCTGTGCTGATGACAGGACCCAGATCACGGACAGCAC-3'
Protein context (NP_004647.1, residues 558-578): STGLLHLAED[Gly568Ala]VLSPLALTEG

ClinVar aggregate classification (germline): Uncertain significance. Review status: criteria provided, multiple submitters, no conflicts (2 of 4 stars). 2 submissions from 2 submitters: Uncertain significance (2). Last evaluated 2026-06-16.

Conditions:
Hereditary cancer-predisposing syndrome. Also called: Tumor predisposition; Hereditary Cancer Syndrome; Hereditary neoplastic syndrome; Neoplastic Syndromes, Hereditary. Identifiers: Orphanet 140162, MedGen C0027672, MeSH D009386, MONDO:0015356.
BAP1-related tumor predisposition syndrome (TPDS1). Also called: Tumor susceptibility linked to germline BAP1 mutations; COMMON Syndrome; TUMOR PREDISPOSITION SYNDROME 1; BAP1 tumor predisposition syndrome. Identifiers: Orphanet 289539, MedGen C3280492, MONDO:0013692, OMIM 614327.

Submissions (2):

Ambry Genetics
Classification: Uncertain significance for Hereditary cancer-predisposing syndrome. Last evaluated: 2026-06-16. Review status: criteria provided, single submitter. Criteria: Ambry Variant Classification Scheme 2023. Collection method: clinical testing. Allele origin: germline.
Comment: The p.G568A variant (also known as c.1703G>C), located in coding exon 13 of the BAP1 gene, results from a G to C substitution at nucleotide position 1703. The glycine at codon 568 is replaced by alanine, an amino acid with similar properties. This amino acid position is conserved. In addition, the in silico prediction for this alteration is inconclusive. Based on the available evidence, the clinical significance of this variant remains unclear.

Labcorp Genetics (formerly Invitae), Labcorp
Classification: Uncertain significance for BAP1-related tumor predisposition syndrome. Last evaluated: 2020-07-07. Review status: criteria provided, single submitter. Criteria: Invitae Variant Classification Sherloc (09022015). Collection method: clinical testing. Allele origin: germline.
Comment: In summary, the available evidence is currently insufficient to determine the role of this variant in disease. Therefore, it has been classified as a Variant of Uncertain Significance. Algorithms developed to predict the effect of missense changes on protein structure and function are either unavailable or do not agree on the potential impact of this missense change (SIFT: "Deleterious"; PolyPhen-2: "Probably Damaging"; Align-GVGD: "Class C0"). This variant has not been reported in the literature in individuals with BAP1-related conditions. This variant is not present in population databases (ExAC no frequency). This sequence change replaces glycine with alanine at codon 568 of the BAP1 protein (p.Gly568Ala). The glycine residue is highly conserved and there is a small physicochemical difference between glycine and alanine.